The following is an entry in ClinVar:

NM_001163809.2(WDR81):c.476G>A (p.Gly159Asp)

Gene: WDR81 (WD repeat domain 81; plus strand). Cytogenetic location: 17p13.3.
Variant type: single nucleotide variant.
Coding change: c.476G>A on transcript NM_001163809.2 (MANE Select); coding-DNA position 476, G replaced by A.
Protein change: p.Gly159Asp; replaces glycine 159 with aspartic acid.
Molecular consequence: missense variant. On other transcripts: intron variant (3).
Genome position (GRCh38, 1-based): chr17:1,725,435, G>A. VCF-style: chr17-1725435-G-A. GRCh37 (hg19) VCF-style: chr17-1628729-G-A.
Other names: c.-123-2555G>A (NM_152348.4); c.59-4945G>A (NM_001163673.2); c.-15+649G>A (NM_001163811.2); short protein forms G159D.
Identifiers: ClinVar variation 2525898 (VCV002525898.4), dbSNP rs558512181, ClinGen allele CA286868162.

ClinVar aggregate classification (germline): Uncertain significance. Review status: criteria provided, multiple submitters, no conflicts (2 of 4 stars). 2 submissions from 2 submitters: Uncertain significance (2). Last evaluated 2025-08-14.

Conditions:
Inborn genetic diseases. Identifiers: MedGen C0950123, MeSH D030342.

Allele frequency attached by ClinVar (database versions not stated): gnomAD 0.00002; TOPMed 0.00002; gnomAD exomes 0.00004; 1000 Genomes Project 0.00020; 1000 Genomes Project 30x 0.00031.
gnomAD v4.1: 58 of 1,549,414 alleles (0.0037%); highest among the groups gnomAD compares: Admixed American, 0.0059%; no homozygotes.

Submissions (2):

Ambry Genetics
Classification: Uncertain significance for Inborn genetic diseases. Last evaluated: 2025-08-14. Review status: criteria provided, single submitter. Criteria: Ambry Variant Classification Scheme 2023. Collection method: clinical testing. Allele origin: germline.

GeneDx
Classification: Uncertain significance. Last evaluated: 2024-08-22. Review status: criteria provided, single submitter. Criteria: GeneDx Variant Classification Process June 2021. Collection method: clinical testing. Allele origin: germline. Affected: yes.
Comment: In silico analysis indicates that this missense variant does not alter protein structure/function; Has not been previously published as pathogenic or benign to our knowledge